The following is an entry in ClinVar:

ClinVar aggregate classification (germline): Benign. Review status: criteria provided, multiple submitters, no conflicts (2 of 4 stars). 3 submissions from 3 submitters: Benign (2). 1 of the submissions does not count toward it. Last evaluated 2018-11-11.

Allele frequency attached by ClinVar (database versions not stated): 1000 Genomes Project 30x 0.63663; gnomAD 0.63736 and 0.64380; ExAC 0.64019; TOPMed 0.64290; gnomAD exomes 0.56379 and 0.58117; 1000 Genomes Project 0.63299.
gnomAD v4.1: 501,102 of 868,646 alleles (58%); highest among the groups gnomAD compares: African/African-American, 86%; 147,608 homozygotes.

Submissions (3):

GeneDx
Classification: Benign. Last evaluated: 2018-11-11. Review status: criteria provided, single submitter. Criteria: GeneDx Variant Classification Process June 2021. Collection method: clinical testing. Allele origin: germline. Affected: yes.

Breakthrough Genomics
Classification: Benign. Review status: criteria provided, single submitter. Criteria: ACMG Guidelines, 2015. Collection method: not provided. Allele origin: germline. Inheritance: Autosomal recessive inheritance. Affected: yes.

ITMI
No classification provided. Condition: AllHighlyPenetrant. Last evaluated: 2013-09-19. Review status: no classification provided. Collection method: reference population. Allele origin: germline. Not counted in ClinVar's aggregate classification.
Comment: Please see associated publication for description of ethnicities

Literature cited by the submitters: PubMed 24728327 (cited by ITMI).

NM_000400.4(ERCC2):c.1119-102G>T

Gene: ERCC2 (ERCC excision repair 2, TFIIH core complex helicase subunit; minus strand). Cytogenetic location: 19q13.32.
Variant type: single nucleotide variant.
Coding change: c.1119-102G>T on transcript NM_000400.4 (MANE Select); 102 bases into the intron before coding-DNA position 1119, G replaced by T.
Molecular consequence: intron variant.
Genome position (GRCh38, 1-based): chr19:45,361,744, C>A on the plus strand (G>T on the coding strand, the complement: ERCC2 is on the minus strand). VCF-style: chr19-45361744-C-A. GRCh37 (hg19) VCF-style: chr19-45865002-C-A.
Other names: c.1047-102G>T (NM_001130867.2).
Identifiers: ClinVar variation 135529 (VCV000135529.5), dbSNP rs171140, ClinGen allele CA162986.